The following is an entry in ClinVar:

ClinVar aggregate classification (germline): Conflicting classifications of pathogenicity. Review status: criteria provided, conflicting classifications (1 of 4 stars). 6 submissions from 6 submitters: Uncertain significance (4); Benign (1); Likely benign (1). Last evaluated 2026-04-29.

Conditions:
Collagen 6-related myopathy. Identifiers: MedGen CN117976, MONDO:0100225.
Bethlem myopathy 1A. Also called: MYOPATHY, BENIGN CONGENITAL, WITH CONTRACTURES; Bethlem myopathy 1; Bethlem Muscular Dystrophy. Identifiers: Orphanet 610, MedGen CN029274, MONDO:0024530, OMIM 158810.

Allele frequency attached by ClinVar (database versions not stated): ESP Exome Variant Server 0.00085; TOPMed 0.00088; 1000 Genomes Project 0.00160; 1000 Genomes Project 30x 0.00172.
gnomAD v4.1: 216 of 1,595,502 alleles (0.014%); highest among the groups gnomAD compares: African/African-American, 0.25%; no homozygotes.

Submissions (6):

Women's Health and Genetics/Laboratory Corporation of America, LabCorp
Classification: Uncertain significance. Last evaluated: 2026-04-29. Review status: criteria provided, single submitter. Criteria: LabCorp Variant Classification Summary - May 2015. Collection method: clinical testing. Allele origin: germline.
Comment: Variant summary: COL6A2 c.2605G>T (p.Asp869Tyr) results in a non-conservative amino acid change in the encoded protein sequence. Algorithms developed to predict the effect of missense changes on protein structure and function are either unavailable or do not agree on the potential impact of this missense change. The variant allele was found at a frequency of 0.00017 in 210720 control chromosomes. This frequency is not significantly higher than estimated for disease-causing variants in COL6A2, allowing no conclusion about variant significance. c.2605G>T has been observed in at least one heterozygous individual affected with suspected limb girdle muscular dystrophy (e.g. Nallamilli_2018). These report(s) do not provide unequivocal conclusions about association of the variant with Ullrich congenital muscular dystrophy 1-AR. To our knowledge, no experimental evidence demonstrating an impact on protein function has been reported. The following publication has been ascertained in the context of this evaluation (PMID: 30564623). ClinVar contains an entry for this variant (Variation ID: 196123). Based on the evidence outlined above, the variant was classified as uncertain significance.

Labcorp Genetics (formerly Invitae), Labcorp
Classification: Likely benign for Bethlem myopathy 1A. Last evaluated: 2025-12-22. Review status: criteria provided, single submitter. Criteria: Invitae Variant Classification Sherloc (09022015). Collection method: clinical testing. Allele origin: germline.

Revvity Omics, Revvity
Classification: Uncertain significance. Last evaluated: 2024-02-28. Review status: criteria provided, single submitter. Criteria: ACMG Guidelines, 2015. Collection method: clinical testing. Allele origin: germline.

Illumina Laboratory Services, Illumina
Classification: Benign for Collagen VI-related myopathy. Last evaluated: 2018-01-13. Review status: criteria provided, single submitter. Criteria: ICSL Variant Classification Criteria 13 December 2019. Collection method: clinical testing. Allele origin: germline.
Comment: This variant was observed in the ICSL laboratory as part of a predisposition screen in an ostensibly healthy population. It had not been previously curated by ICSL or reported in the Human Gene Mutation Database (HGMD: prior to June 1st, 2018), and was therefore a candidate for classification through an automated scoring system. Utilizing variant allele frequency, disease prevalence and penetrance estimates, and inheritance mode, an automated score was calculated to assess if this variant is too frequent to cause the disease. Based on the score and internal cut-off values, a variant classified as benign is not then subjected to further curation. The score for this variant resulted in a classification of benign for this disease.

GeneDx
Classification: Uncertain significance. Last evaluated: 2017-06-30. Review status: criteria provided, single submitter. Criteria: GeneDx Variant Classification (06012015). Collection method: clinical testing. Allele origin: germline. Affected: yes.
Comment: A variant of uncertain significance has been identified in the COL6A2 gene. The D869Y variant has not been published as a pathogenic variant, nor has it been reported as a benign variant to our knowledge. The D869Y variant is observed in 16/4574 (0.4%) alleles from individuals of African background, in the ExAC dataset (Lek et al., 2016; 1000 Genomes Consortium et al., 2015; Exome Variant Server). The D869Y variant is a non-conservative amino acid substitution, which is likely to impact secondary protein structure as these residues differ in polarity, charge, size and/or other properties. However, this substitution occurs at a position that is not conserved. In silico analysis is inconsistent in its predictions as to whether or not the variant is damaging to the protein structure/function. Therefore, based on the currently available information, it is unclear whether this variant is a pathogenic variant or a rare benign variant.

Eurofins Ntd Llc (ga)
Classification: Uncertain significance. Last evaluated: 2015-05-21. Review status: criteria provided, single submitter. Criteria: EGL Classification Definitions 2015. Collection method: clinical testing. Allele origin: germline. Observed: 3 variant alleles, 3 heterozygotes.

Literature cited by the submitters: PubMed 30564623 (cited by Women's Health and Genetics/Laboratory Corporation of America, LabCorp).

NM_001849.4(COL6A2):c.2605G>T (p.Asp869Tyr)

Gene: COL6A2 (collagen type VI alpha 2 chain; plus strand). Cytogenetic location: 21q22.3.
Variant type: single nucleotide variant.
Coding change: c.2605G>T on transcript NM_001849.4 (MANE Select); coding-DNA position 2605, G replaced by T.
Protein change: p.Asp869Tyr; replaces aspartic acid 869 with tyrosine.
Molecular consequence: missense variant.
Genome position (GRCh38, 1-based): chr21:46,132,097, G>T. VCF-style: chr21-46132097-G-T. GRCh37 (hg19) VCF-style: chr21-47552011-G-T.
Other names: short protein forms D869Y.
Identifiers: ClinVar variation 196123 (VCV000196123.23), dbSNP rs141021828, ClinGen allele CA242955.
Genomic context (GRCh38, chr21:46,132,097, plus strand): 5'-TTCCACAAGGCCCGGCGCTTCGTGGAGCAGGTGGCGCGGCGGCTGACGCTGGCCCGGAGG[G>T]ACGACGACCCTCTCAACGCACGCGTGGCGCTGCTGCAGTTTGGTGGCCCCGGCGAGCAGC-3'
Protein context (NP_001840.3, residues 859-879): VARRLTLARR[Asp869Tyr]DDPLNARVAL